The following is an entry in ClinVar:

NM_004136.4(IREB2):c.24C>T (p.Tyr8=)

Gene: IREB2 (iron responsive element binding protein 2; plus strand). Cytogenetic location: 15q25.1.
Variant type: single nucleotide variant.
Coding change: c.24C>T on transcript NM_004136.4 (MANE Select); coding-DNA position 24, C replaced by T.
Protein change: p.Tyr8=; no amino-acid change (tyrosine 8 retained).
Molecular consequence: synonymous variant. On other transcripts: 5 prime UTR variant (3).
Genome position (GRCh38, 1-based): chr15:78,439,799, C>T. VCF-style: chr15-78439799-C-T. GRCh37 (hg19) VCF-style: chr15-78732141-C-T.
Other names: c.-657C>T (NM_001320941.2); c.-148C>T (NM_001320942.2, NM_001354994.2); c.24C>T, p.Tyr8= (NM_001320943.2).
Identifiers: ClinVar variation 2645610 (VCV002645610.25), dbSNP rs750019721, ClinGen allele CA7682615.

ClinVar aggregate classification (germline): Likely benign. Review status: criteria provided, multiple submitters, no conflicts (2 of 4 stars). 2 submissions from 2 submitters: Likely benign (2). Last evaluated 2025-09-07.

Allele frequency attached by ClinVar (database versions not stated): gnomAD 0.00001; gnomAD exomes 0.00001; ExAC 0.00002.
gnomAD v4.1: 14 of 1,567,128 alleles (0.00089%); highest among the groups gnomAD compares: Admixed American, 0.0018%; no homozygotes.

Submissions (2):

Labcorp Genetics (formerly Invitae), Labcorp
Classification: Likely benign. Last evaluated: 2025-09-07. Review status: criteria provided, single submitter. Criteria: Invitae Variant Classification Sherloc (09022015). Collection method: clinical testing. Allele origin: germline.

CeGaT Center for Human Genetics Tuebingen
Classification: Likely benign. Last evaluated: 2023-07-01. Review status: criteria provided, single submitter. Criteria: CeGaT Center For Human Genetics Tuebingen Variant Classification Criteria Version 2. Collection method: clinical testing. Allele origin: germline. Affected: yes. Observed: 1 variant allele.
Comment: IREB2: BP4, BP7